The following is an entry in ClinVar:

ClinVar aggregate classification (germline): Pathogenic (1 of 4 stars; one submission).

Conditions:
Lynch syndrome 4 (LYNCH4). Also called: Hereditary non-polyposis colorectal cancer, type 4; Colorectal cancer, hereditary nonpolyposis, type 4. Identifiers: Orphanet 144, MedGen C1838333, MONDO:0013699, OMIM 614337. Disease mechanism: loss of function.

Submission:

Myriad Genetics, Inc.
Classification: Pathogenic for Lynch syndrome 4. Last evaluated: 2023-11-21. Review status: criteria provided, single submitter. Criteria: Myriad Autosomal Dominant, Autosomal Recessive and X-Linked Classification Criteria (2023). Collection method: clinical testing. Allele origin: unknown.
Comment: This variant is considered pathogenic. This variant creates a frameshift predicted to result in premature protein truncation.

NM_000535.7(PMS2):c.1296del (p.Asn432fs)

Gene: PMS2 (PMS1 homolog 2, mismatch repair system component; minus strand). Cytogenetic location: 7p22.1.
Variant type: Deletion.
Coding change: c.1296del on transcript NM_000535.7 (MANE Select); coding-DNA position 1296, one base deleted (C; older notation c.1296delC).
Protein change: p.Asn432fs; shifts the reading frame from asparagine 432.
Molecular consequence: frameshift variant. On other transcripts: non-coding transcript variant (1), intron variant (1).
Genome position (GRCh38, 1-based): chr7:5,987,469, G deleted on the plus strand (C on the coding strand, the reverse complement: PMS2 is on the minus strand). VCF-style (leftmost placement, unchanged base first): chr7-5987468-TG-T. GRCh37 (hg19) VCF-style: chr7-6027099-TG-T.
Other names: c.891delC, p.Asn297Lysfs (NM_001018040.1); c.891del, p.Asn297fs (NM_001322003.2, NM_001322004.2, NM_001322005.2 and 16 more transcripts); c.1140del, p.Asn380fs (NM_001322006.2, NM_001406870.1); c.978del, p.Asn326fs (NM_001322007.2, NM_001322008.2, NM_001406876.1 and 2 more transcripts); c.735del, p.Asn245fs (NM_001322010.2, NM_001406906.1, NM_001406907.1); c.363del, p.Asn121fs (NM_001322011.2, NM_001322012.2); c.723del, p.Asn241fs (NM_001322013.2, NM_001406909.1); c.1296del, p.Asn432fs (NM_001322014.2, NM_001406871.1, NM_001406872.1); and 14 more; short protein forms N121fs, N175fs, N241fs, N245fs, N261fs, N274fs, N277fs, N297fs.
Identifiers: ClinVar variation 2673931 (VCV002673931.1), dbSNP rs2535818146, ClinGen allele CA2695198445.